The following is an entry in ClinVar:

NM_000061.3(BTK):c.1546C>T (p.Gln516Ter)

Gene: BTK (Bruton tyrosine kinase; minus strand). Cytogenetic location: Xq22.1.
Variant type: single nucleotide variant.
Coding change: c.1546C>T on transcript NM_000061.3 (MANE Select); coding-DNA position 1546, C replaced by T.
Protein change: p.Gln516Ter; replaces glutamine 516 with a stop codon.
Molecular consequence: nonsense. On other transcripts: intron variant (1).
Genome position (GRCh38, 1-based): chrX:101,356,072, G>A on the plus strand (C>T on the coding strand, the complement: BTK is on the minus strand). VCF-style: chrX-101356072-G-A. GRCh37 (hg19) VCF-style: chrX-100611060-G-A.
Other names: c.1648C>T, p.Gln550Ter (NM_001287344.2); c.1039-1378C>T (NM_001287345.2); short protein forms Q550*, Q516*.
Identifiers: ClinVar variation 645829 (VCV000645829.7), dbSNP rs1603004481, ClinGen allele CA413923127.
Genomic context (GRCh38, chrX:101,356,072, plus strand): 5'-ATCAGCCCTTTGTCCTAGGCCAATCCTTCTAAGGTCCCACCAGGTCTCGGTGAAGGAACT[G>A]CTTTGACTCCAGGTATTCCATGGCTTCACAGACATCCTTGCACATCTCTAGCAGCTGCTG-3'

ClinVar aggregate classification (germline): Pathogenic (1 of 4 stars; one submission).

Conditions:
X-linked agammaglobulinemia with growth hormone deficiency (IGHD3). Also called: ISOLATED GROWTH HORMONE DEFICIENCY, TYPE III, WITH AGAMMAGLOBULINEMIA; FLEISHER SYNDROME; HYPOGAMMAGLOBULINEMIA AND ISOLATED GROWTH HORMONE DEFICIENCY, X-LINKED; IGHD III; AGAMMAGLOBULINEMIA AND ISOLATED GROWTH HORMONE DEFICIENCY, X-LINKED; Isolated growth hormone deficiency type 3. Identifiers: Orphanet 231692, Orphanet 631, MedGen C0472813, MONDO:0010615, OMIM 307200.

Submission:

Labcorp Genetics (formerly Invitae), Labcorp
Classification: Pathogenic for X-linked agammaglobulinemia with growth hormone deficiency. Last evaluated: 2018-12-17. Review status: criteria provided, single submitter. Criteria: Invitae Variant Classification Sherloc (09022015). Collection method: clinical testing. Allele origin: germline.
Comment: For these reasons, this variant has been classified as Pathogenic. Loss-of-function variants in BTK are known to be pathogenic (PMID: 15661032, 16862044, 19419768). This variant has not been reported in the literature in individuals with BTK-related conditions. This variant is not present in population databases (ExAC no frequency). This sequence change creates a premature translational stop signal (p.Gln516*) in the BTK gene. It is expected to result in an absent or disrupted protein product.

Literature cited by the submitters: PubMed 15661032; PubMed 16862044; PubMed 19419768.